The following is an entry in ClinVar:

ClinVar aggregate classification (germline): Uncertain significance. Review status: criteria provided, multiple submitters, no conflicts (2 of 4 stars). 2 submissions from 2 submitters: Uncertain significance (2). Last evaluated 2023-11-22.

Submissions (2):

Labcorp Genetics (formerly Invitae), Labcorp
Classification: Uncertain significance. Last evaluated: 2023-11-22. Review status: criteria provided, single submitter. Criteria: Invitae Variant Classification Sherloc (09022015). Collection method: clinical testing. Allele origin: germline.
Comment: This sequence change affects a donor splice site in intron 7 of the COL9A2 gene. It is expected to disrupt RNA splicing. Variants that disrupt the donor or acceptor splice site typically lead to a loss of protein function (PMID: 16199547), however the current clinical and genetic evidence is not sufficient to establish whether loss-of-function variants in COL9A2 cause disease. This variant is not present in population databases (gnomAD no frequency). This variant has not been reported in the literature in individuals affected with COL9A2-related conditions. Algorithms developed to predict the effect of sequence changes on RNA splicing suggest that this variant may disrupt the consensus splice site. In summary, the available evidence is currently insufficient to determine the role of this variant in disease. Therefore, it has been classified as a Variant of Uncertain Significance.

Blueprint Genetics
Classification: Uncertain significance. Last evaluated: 2022-09-14. Review status: criteria provided, single submitter. Criteria: ACMG Guidelines, 2015. Collection method: clinical testing. Allele origin: germline.

Literature cited by the submitters: PubMed 16199547 (cited by Labcorp Genetics (formerly Invitae), Labcorp).

NM_001852.4(COL9A2):c.363+1G>A

Gene: COL9A2 (collagen type IX alpha 2 chain; minus strand). Cytogenetic location: 1p34.2.
Variant type: single nucleotide variant.
Coding change: c.363+1G>A on transcript NM_001852.4 (MANE Select); the canonical splice donor site of the intron after coding-DNA position 363, G replaced by A.
Molecular consequence: splice donor variant.
Genome position (GRCh38, 1-based): chr1:40,312,455, C>T on the plus strand (G>A on the coding strand, the complement: COL9A2 is on the minus strand). VCF-style: chr1-40312455-C-T. GRCh37 (hg19) VCF-style: chr1-40778127-C-T.
Identifiers: ClinVar variation 2698165 (VCV002698165.4), dbSNP rs2522560109, ClinGen allele CA339856952.